The following is an entry in ClinVar:

ClinVar aggregate classification (germline): Pathogenic (1 of 4 stars; one submission).

Conditions:
Exostoses, multiple, type 1 (EXT1). Also called: EXOSTOSES, MULTIPLE, TYPE I; Hereditary Multiple Osteochondromatosis, Type I. Identifiers: MedGen CN263289, MONDO:0007585, OMIM 133700.

Submission:

Institute of Human Genetics, University of Leipzig Medical Center
Classification: Pathogenic for Exostoses, multiple, type 1. Last evaluated: 2024-10-25. Review status: criteria provided, single submitter. Criteria: ACMG Guidelines, 2015. Collection method: clinical testing. Allele origin: unknown. Inheritance: Autosomal dominant inheritance. Affected: yes.
Comment: Criteria applied: PVS1,PM2,PP4

NM_000127.3(EXT1):c.142_143insCCCGCACC (p.His48fs)

Gene: EXT1 (exostosin glycosyltransferase 1; minus strand). Cytogenetic location: 8q24.11.
Variant type: Insertion.
Coding change: c.142_143insCCCGCACC on transcript NM_000127.3 (MANE Select); coding-DNA positions 142 to 143, CCCGCACC inserted.
Protein change: p.His48fs; shifts the reading frame from histidine 48.
Molecular consequence: frameshift variant.
Genome position: GRCh38 VCF-style: chr8-118110904-T-TGGTGCGGG. GRCh37 (hg19) VCF-style: chr8-119123143-T-TGGTGCGGG.
Other names: short protein forms H48fs.
Identifiers: ClinVar variation 3376150 (VCV003376150.3).